The following is an entry in ClinVar:

GRCh37/hg19 17p13.2(chr17:3539741-3561489)

Gene: CTNS (cystinosin, lysosomal cystine transporter; plus strand). Cytogenetic location: 17p13.2.
Variant type: copy number loss.
Identifiers: ClinVar variation 1179166 (VCV001179166.2).

ClinVar aggregate classification (germline): Pathogenic (0 of 4 stars; one submission).

Conditions:
Nephropathic cystinosis (CTNS). Also called: Abderhalden Lignac Kaufmann disease; Abderhalden-Kaufmann-Lignac syndrome; CYSTINOSIN, DEFECT OF; LYSOSOMAL CYSTINE TRANSPORT PROTEIN, DEFECT OF. Identifiers: Orphanet 213, Orphanet 411629, MedGen C2931187, MONDO:0100151, OMIM 219800.
Juvenile nephropathic cystinosis. Also called: CYSTINOSIS, LATE-ONSET JUVENILE OR ADOLESCENT NEPHROPATHIC TYPE; Intermediate Cystinosis; Later-Onset (Juvenile) Cystinosis. Identifiers: Orphanet 213, Orphanet 411634, MedGen C0268626, MONDO:0009066, OMIM 219900.
Ocular cystinosis. Also called: Non-Nephropathic Cystinosis; Non-Nephropathic (Ocular) Cystinosis. Identifiers: Orphanet 213, Orphanet 411641, MedGen C2931013, MONDO:0009064, OMIM 219750.

Submission:

Fulgent Genetics
Classification: Pathogenic for Ocular cystinosis; Nephropathic cystinosis; Juvenile nephropathic cystinosis. Review status: no assertion criteria provided. Collection method: clinical testing. Allele origin: unknown.
Comment: This variant has been detected in individual(s) who were sent for testing of Renasight - kidney gene panel.